The following is an entry in ClinVar:

ClinVar aggregate classification (germline): Uncertain significance. Review status: criteria provided, multiple submitters, no conflicts (2 of 4 stars). 4 submissions from 4 submitters: Uncertain significance (4). Last evaluated 2025-06-10.

Conditions:
Wolfram-like syndrome. Also called: HEARING LOSS, PROGRESSIVE, WITH OPTIC ATROPHY AND/OR IMPAIRED GLUCOSE REGULATION. Identifiers: Orphanet 411590, MedGen C3280358, MONDO:0013673, OMIM 614296.
Cataract 41 (CTRCT41). Also called: CATARACT 41, CONGENITAL NUCLEAR TYPE. Identifiers: Orphanet 91492, Orphanet 98991, Orphanet 98992, Orphanet 98995, MedGen C3805412, MONDO:0007287, OMIM 116400.
Autosomal dominant nonsyndromic hearing loss 6 (LFSNHL). Also called: DEAFNESS, AUTOSOMAL DOMINANT 6; DEAFNESS, AUTOSOMAL DOMINANT 14; DEAFNESS, AUTOSOMAL DOMINANT 38; Autosomal dominant nonsyndromic deafness 6. Identifiers: Orphanet 90635, MedGen C1833021, MONDO:0010963, OMIM 600965.
Type 2 diabetes mellitus. Also called: Type II diabetes mellitus. Identifiers: MedGen C0011860, MeSH D003924, MONDO:0005148, OMIM 125853, HP:0005978.
Wolfram syndrome 1 (WFS1). Identifiers: Orphanet 3463, MedGen C4551693, MONDO:0009101, OMIM 222300.
WFS1-related disorder. Identifiers: MedGen CN379391, MONDO:0700293.

Allele frequency attached by ClinVar (database versions not stated): ExAC 0.00001; TOPMed 0.00003; gnomAD exomes 0.00004.
gnomAD v4.1: 55 of 1,613,370 alleles (0.0034%); highest among the groups gnomAD compares: Non-Finnish European, 0.0046%; no homozygotes.

Submissions (4):

PreventionGenetics, part of Exact Sciences
Classification: Uncertain significance for WFS1-related condition. Last evaluated: 2025-06-10. Review status: criteria provided, single submitter. Criteria: ACMG Guidelines, 2015. Collection method: clinical testing. Allele origin: germline.
Comment: The WFS1 c.791T>C variant is predicted to result in the amino acid substitution p.Phe264Ser. To our knowledge, this variant has not been reported in the literature. This variant is reported in 0.00088% of alleles in individuals of European (Non-Finnish) descent in gnomAD. At this time, the clinical significance of this variant is uncertain due to the absence of conclusive functional and genetic evidence.

Fulgent Genetics
Classification: Uncertain significance for Cataract 41; Type 2 diabetes mellitus; Wolfram syndrome 1; Autosomal dominant nonsyndromic hearing loss 6; Wolfram-like syndrome. Last evaluated: 2024-05-14. Review status: criteria provided, single submitter. Criteria: ACMG Guidelines, 2015. Collection method: clinical testing. Allele origin: germline.

ARUP Laboratories, Molecular Genetics and Genomics, ARUP Laboratories
Classification: Uncertain significance. Last evaluated: 2024-01-24. Review status: criteria provided, single submitter. Criteria: ARUP Molecular Germline Variant Investigation Process 2024. Collection method: clinical testing. Allele origin: germline.

Labcorp Genetics (formerly Invitae), Labcorp
Classification: Uncertain significance. Last evaluated: 2023-07-19. Review status: criteria provided, single submitter. Criteria: Invitae Variant Classification Sherloc (09022015). Collection method: clinical testing. Allele origin: germline.
Comment: Advanced modeling of protein sequence and biophysical properties (such as structural, functional, and spatial information, amino acid conservation, physicochemical variation, residue mobility, and thermodynamic stability) performed at Invitae indicates that this missense variant is not expected to disrupt WFS1 protein function. In summary, the available evidence is currently insufficient to determine the role of this variant in disease. Therefore, it has been classified as a Variant of Uncertain Significance. ClinVar contains an entry for this variant (Variation ID: 2053354). This sequence change replaces phenylalanine, which is neutral and non-polar, with serine, which is neutral and polar, at codon 264 of the WFS1 protein (p.Phe264Ser). This variant is present in population databases (rs772586872, gnomAD 0.0009%). This variant has not been reported in the literature in individuals affected with WFS1-related conditions.

NM_006005.3(WFS1):c.791T>C (p.Phe264Ser)

Gene: WFS1 (wolframin ER transmembrane glycoprotein; plus strand). Cytogenetic location: 4p16.1.
Variant type: single nucleotide variant.
Coding change: c.791T>C on transcript NM_006005.3 (MANE Select); coding-DNA position 791, T replaced by C.
Protein change: p.Phe264Ser; replaces phenylalanine 264 with serine.
Molecular consequence: missense variant.
Genome position (GRCh38, 1-based): chr4:6,295,119, T>C. VCF-style: chr4-6295119-T-C. GRCh37 (hg19) VCF-style: chr4-6296846-T-C.
Other names: c.791T>C, p.Phe264Ser (NM_001145853.1); short protein forms F264S.
Identifiers: ClinVar variation 2053354 (VCV002053354.6), dbSNP rs772586872, ClinGen allele CA2839055.